The following is an entry in ClinVar:

NM_020706.2(SCAF4):c.1621C>G (p.Pro541Ala)

Gene: SCAF4 (SR-related CTD associated factor 4; minus strand). Cytogenetic location: 21q22.11.
Variant type: single nucleotide variant.
Coding change: c.1621C>G on transcript NM_020706.2 (MANE Select); coding-DNA position 1621, C replaced by G.
Protein change: p.Pro541Ala; replaces proline 541 with alanine.
Molecular consequence: missense variant.
Genome position (GRCh38, 1-based): chr21:31,691,924, G>C on the plus strand (C>G on the coding strand, the complement: SCAF4 is on the minus strand). VCF-style: chr21-31691924-G-C. GRCh37 (hg19) VCF-style: chr21-33064237-G-C.
Other names: c.1576C>G, p.Pro526Ala (NM_001145444.1); c.1621C>G, p.Pro541Ala (NM_001145445.1); short protein forms P526A, P541A.
Identifiers: ClinVar variation 2500442 (VCV002500442.1), dbSNP rs2516753883, ClinGen allele CA410047077.

ClinVar aggregate classification (germline): Uncertain significance (1 of 4 stars; one submission).

Submission:

GeneDx
Classification: Uncertain significance. Last evaluated: 2022-10-31. Review status: criteria provided, single submitter. Criteria: GeneDx Variant Classification Process June 2021. Collection method: clinical testing. Allele origin: germline. Affected: yes.
Comment: Not observed at significant frequency in large population cohorts (gnomAD); In silico analysis supports that this missense variant has a deleterious effect on protein structure/function; Has not been previously published as pathogenic or benign to our knowledge